The following is an entry in ClinVar:

ClinVar aggregate classification (germline): Pathogenic/Likely pathogenic. Review status: criteria provided, multiple submitters, no conflicts (2 of 4 stars). 3 submissions from 3 submitters: Pathogenic (2); Likely pathogenic (1). Last evaluated 2025-10-13.

Conditions:
Cardiovascular phenotype. Identifiers: MedGen CN230736.
Hypertrophic cardiomyopathy. Also called: HYPERTROPHIC MYOCARDIOPATHY. Identifiers: Orphanet 217569, MedGen C0007194, MeSH D002312, MONDO:0005045, HP:0001639.

Submissions (3):

Labcorp Genetics (formerly Invitae), Labcorp
Classification: Pathogenic for Hypertrophic cardiomyopathy. Last evaluated: 2025-10-13. Review status: criteria provided, single submitter. Criteria: Invitae Variant Classification Sherloc (09022015). Collection method: clinical testing. Allele origin: germline.
Comment: This sequence change creates a premature translational stop signal (p.Val189Serfs*11) in the MYBPC3 gene. It is expected to result in an absent or disrupted protein product. Loss-of-function variants in MYBPC3 are known to be pathogenic (PMID: 19574547). This variant is not present in population databases (gnomAD no frequency). This variant has not been reported in the literature in individuals affected with MYBPC3-related conditions. ClinVar contains an entry for this variant (Variation ID: 1070911). For these reasons, this variant has been classified as Pathogenic.

Ambry Genetics
Classification: Pathogenic for Cardiovascular phenotype. Last evaluated: 2025-07-29. Review status: criteria provided, single submitter. Criteria: Ambry Variant Classification Scheme 2023. Collection method: clinical testing. Allele origin: germline.
Comment: The c.565delG variant, located in coding exon 5 of the MYBPC3 gene, results from a deletion of one nucleotide at nucleotide position 565, causing a translational frameshift with a predicted alternate stop codon (p.V189Sfs*11). This variant is considered to be rare based on population cohorts in the Genome Aggregation Database (gnomAD). This alteration is expected to result in loss of function by premature protein truncation or nonsense-mediated mRNA decay. As such, this alteration is interpreted as a disease-causing mutation.

Molecular Diagnostic Laboratory for Inherited Cardiovascular Disease, Montreal Heart Institute
Classification: Likely pathogenic for Cardiovascular phenotype. Last evaluated: 2024-11-11. Review status: criteria provided, single submitter. Criteria: ACMG Guidelines, 2015. Collection method: clinical testing. Allele origin: germline. Affected: yes.
Comment: PVS1, PM2

Literature cited by the submitters: PubMed 19574547 (cited by Labcorp Genetics (formerly Invitae), Labcorp).

NM_000256.3(MYBPC3):c.565del (p.Val189fs)

Gene: MYBPC3 (myosin binding protein C3; minus strand). Cytogenetic location: 11p11.2.
Variant type: Deletion.
Coding change: c.565del on transcript NM_000256.3 (MANE Select); coding-DNA position 565, one base deleted (G; older notation c.565delG).
Protein change: p.Val189fs; shifts the reading frame from valine 189.
Molecular consequence: frameshift variant.
Genome position (GRCh38, 1-based): chr11:47,349,863, C deleted on the plus strand (G on the coding strand, the reverse complement: MYBPC3 is on the minus strand); the first of 2 consecutive C bases (chr11:47,349,863-47,349,864); deleting either gives the same sequence. VCF-style (leftmost placement, unchanged base first): chr11-47349862-AC-A. GRCh37 (hg19) VCF-style: chr11-47371413-AC-A.
Other names: c.565delG (NM_000256.3); short protein forms V189fs.
Identifiers: ClinVar variation 1070911 (VCV001070911.9), dbSNP rs2142867765, ClinGen allele CA2499220989.